The following is an entry in ClinVar:

NM_170707.4(LMNA):c.1541G>A (p.Trp514Ter)

Gene: LMNA (lamin A/C; plus strand). Cytogenetic location: 1q22.
Variant type: single nucleotide variant.
Coding change: c.1541G>A on transcript NM_170707.4 (MANE Select); coding-DNA position 1541, G replaced by A.
Protein change: p.Trp514Ter; replaces tryptophan 514 with a stop codon.
Molecular consequence: nonsense.
Genome position (GRCh38, 1-based): chr1:156,137,165, G>A. VCF-style: chr1-156137165-G-A. GRCh37 (hg19) VCF-style: chr1-156106956-G-A.
Other names: c.1205G>A, p.Trp402Ter (NM_001257374.3); c.1298G>A, p.Trp433Ter (NM_001282624.2); c.1541G>A, p.Trp514Ter (NM_001282625.2, NM_001282626.2, NM_005572.4 and 1 more transcripts); short protein forms W433*, W402*, W514*.
Identifiers: ClinVar variation 649746 (VCV000649746.10), dbSNP rs1572366412, ClinGen allele CA342823242.

ClinVar aggregate classification (germline): Pathogenic (1 of 4 stars; one submission).

Conditions:
Charcot-Marie-Tooth disease type 2. Also called: Charcot-Marie-Tooth type 2. Identifiers: Orphanet 64746, MedGen C0270914, MONDO:0018993.

Submission:

Labcorp Genetics (formerly Invitae), Labcorp
Classification: Pathogenic for Charcot-Marie-Tooth disease type 2. Last evaluated: 2021-05-19. Review status: criteria provided, single submitter. Criteria: Invitae Variant Classification Sherloc (09022015). Collection method: clinical testing. Allele origin: germline.
Comment: For these reasons, this variant has been classified as Pathogenic. Loss-of-function variants in LMNA are known to be pathogenic (PMID: 18585512, 18926329). This nonsense change has been observed in individuals affected with dilated cardiomyopathy, arrhythmogenic right ventricular cardiomyopathy, and/or conduction disease and arrhythmia (PMID: 29511324, 26620845, 23183350). This variant is not present in population databases (ExAC no frequency). This sequence change creates a premature translational stop signal (p.Trp514*) in the LMNA gene. It is expected to result in an absent or disrupted protein product.

Literature cited by the submitters: PubMed 18585512; PubMed 18926329; PubMed 29511324; PubMed 26620845; PubMed 23183350.